The following is an entry in ClinVar:

ClinVar aggregate classification (germline): Uncertain significance (1 of 4 stars; one submission).

Conditions:
Early Myoclonic Encephalopathy. Identifiers: MedGen C0270855.

Submission:

Labcorp Genetics (formerly Invitae), Labcorp
Classification: Uncertain significance for Early Myoclonic Encephalopathy. Last evaluated: 2019-10-07. Review status: criteria provided, single submitter. Criteria: Invitae Variant Classification Sherloc (09022015). Collection method: clinical testing. Allele origin: germline.
Comment: This variant has not been reported in the literature in individuals with KCND2-related conditions. In summary, the available evidence is currently insufficient to determine the role of this variant in disease. Therefore, it has been classified as a Variant of Uncertain Significance. Algorithms developed to predict the effect of missense changes on protein structure and function (SIFT, PolyPhen-2, Align-GVGD) all suggest that this variant is likely to be tolerated, but these predictions have not been confirmed by published functional studies and their clinical significance is uncertain. This variant is not present in population databases (ExAC no frequency). This sequence change replaces serine with leucine at codon 521 of the KCND2 protein (p.Ser521Leu). The serine residue is moderately conserved and there is a large physicochemical difference between serine and leucine.

NM_012281.3(KCND2):c.1562C>T (p.Ser521Leu)

Gene: KCND2 (potassium voltage-gated channel subfamily D member 2; plus strand). Cytogenetic location: 7q31.31.
Variant type: single nucleotide variant.
Coding change: c.1562C>T on transcript NM_012281.3 (MANE Select); coding-DNA position 1562, C replaced by T.
Protein change: p.Ser521Leu; replaces serine 521 with leucine.
Molecular consequence: missense variant.
Genome position (GRCh38, 1-based): chr7:120,745,874, C>T. VCF-style: chr7-120745874-C-T. GRCh37 (hg19) VCF-style: chr7-120385928-C-T.
Other names: short protein forms S521L.
Identifiers: ClinVar variation 936111 (VCV000936111.9), dbSNP rs1792999457, ClinGen allele CA369135508.